The following is an entry in ClinVar:

NM_002976.4(SCN7A):c.4262G>A (p.Gly1421Asp)

Gene: SCN7A (sodium voltage-gated channel alpha subunit 7; minus strand). Cytogenetic location: 2q24.3.
Variant type: single nucleotide variant.
Coding change: c.4262G>A on transcript NM_002976.4 (MANE Select); coding-DNA position 4262, G replaced by A.
Protein change: p.Gly1421Asp; replaces glycine 1421 with aspartic acid.
Molecular consequence: missense variant. On other transcripts: non-coding transcript variant (1).
Genome position (GRCh38, 1-based): chr2:166,406,367, C>T on the plus strand (G>A on the coding strand, the complement: SCN7A is on the minus strand). VCF-style: chr2-166406367-C-T. GRCh37 (hg19) VCF-style: chr2-167262877-C-T.
Other names: short protein forms G1421D.
Identifiers: ClinVar variation 2651508 (VCV002651508.24), dbSNP rs2468397589, ClinGen allele CA349076508.
Genomic context (GRCh38, chr2:166,406,367, plus strand): 5'-TCAAGCATCCCATCCCAACCAGCAAATATTGCAACTTGAAAAAGACAGAGCATACTGTTG[C>T]CAAAGGTTTCAAAATTAGACACATCATTAATTCCAGCTTCTTTTTTAACATAGGCAAAAT-3'
Protein context (NP_002967.2, residues 1411-1431): INDVSNFETF[Gly1421Asp]NSMLCLFQVA

ClinVar aggregate classification (germline): Uncertain significance (1 of 4 stars; one submission).

Allele frequency attached by ClinVar (database versions not stated): gnomAD exomes below 0.00001.

Submission:

CeGaT Center for Human Genetics Tuebingen
Classification: Uncertain significance. Last evaluated: 2023-01-01. Review status: criteria provided, single submitter. Criteria: CeGaT Center For Human Genetics Tuebingen Variant Classification Criteria Version 2. Collection method: clinical testing. Allele origin: germline. Affected: yes. Observed: 1 variant allele.
Comment: SCN7A: PM2